The following is an entry in ClinVar:

ClinVar aggregate classification (germline): Uncertain significance (1 of 4 stars; one submission).

Conditions:
ALMS1-related disorder. Also called: ALMS1-related condition.

Submission:

PreventionGenetics, part of Exact Sciences
Classification: Uncertain significance for ALMS1-related condition. Last evaluated: 2023-02-21. Review status: criteria provided, single submitter. Criteria: ACMG Guidelines, 2015. Collection method: clinical testing. Allele origin: germline.
Comment: The ALMS1 c.5294A>G variant is predicted to result in the amino acid substitution p.Asn1765Ser. This variant has been previously observed in one individual from a cohort of patients with a clinical diagnosis of blindness, and reported as a variant of uncertain significance (Supplementary Table S12; Diñeiro et al. 2020. PubMed ID: 32483926, reported as c.5300A>G, p.Asn1767Ser which is related to differences in transcript versions). This variant was also reported in an individual with retinitis pigmentosa; however, this individual also harbored a pathogenic NR2E3 variant which provided the diagnosis (Patient 14, Costa et al. 2017. PubMed ID: 28912962). This variant is reported in 0.074% of alleles in individuals of Latino descent in gnomAD, which is likely too frequent for a primary cause of disease. Although we suspect that this variant may be benign, at this time, the clinical significance of this variant is uncertain due to the absence of conclusive functional and genetic evidence.

NM_001378454.1(ALMS1):c.5291A>G (p.Lys1764Arg)

Gene: ALMS1 (ALMS1 centrosome and basal body associated protein; plus strand). Cytogenetic location: 2p13.1.
Variant type: single nucleotide variant.
Coding change: c.5291A>G on transcript NM_001378454.1 (MANE Select); coding-DNA position 5291, A replaced by G.
Protein change: p.Lys1764Arg; replaces lysine 1764 with arginine.
Molecular consequence: missense variant.
Genome position (GRCh38, 1-based): chr2:73,451,818, A>G. VCF-style: chr2-73451818-A-G. GRCh37 (hg19) VCF-style: chr2-73678945-A-G.
Other names: c.5294A>G, p.Lys1765Arg (NM_015120.4); short protein forms K1764R, K1765R.
Identifiers: ClinVar variation 2629057 (VCV002629057.1), dbSNP rs2466104457, ClinGen allele CA347280767.
Genomic context (GRCh38, chr2:73,451,818, plus strand): 5'-CAGCTGACCAGAAGACTGGGTTATCTACTGTAACTTCCTCTTTCTATTCACATACAGAGA[A>G]GCCTAATATTTCTTACCAGCAAGAGTTGCCAGATAGTCATCTAACTGAAGAGGCTCTGAA-3'
Protein context (NP_001365383.1, residues 1754-1774): VTSSFYSHTE[Lys1764Arg]PNISYQQELP